The following is an entry in ClinVar:

ClinVar aggregate classification (germline): Uncertain significance. Review status: criteria provided, multiple submitters, no conflicts (2 of 4 stars). 2 submissions from 2 submitters: Uncertain significance (2). Last evaluated 2025-08-21.

Conditions:
Hyperkalemic periodic paralysis. Also called: Familial hyperkalemic periodic paralysis; Gamstorp disease. Identifiers: Orphanet 682, MedGen C0238357, MONDO:0008224, OMIM 170500, HP:0007215.

Allele frequency attached by ClinVar (database versions not stated): gnomAD exomes 0.00001; gnomAD 0.00003; TOPMed 0.00003.
gnomAD v4.1: 8 of 1,613,900 alleles (0.0005%); highest among the groups gnomAD compares: Non-Finnish European, 0.00068%; no homozygotes.

Submissions (2):

Labcorp Genetics (formerly Invitae), Labcorp
Classification: Uncertain significance for Hyperkalemic periodic paralysis. Last evaluated: 2025-08-21. Review status: criteria provided, single submitter. Criteria: Invitae Variant Classification Sherloc (09022015). Collection method: clinical testing. Allele origin: germline.
Comment: This sequence change replaces tyrosine, which is neutral and polar, with cysteine, which is neutral and slightly polar, at codon 1581 of the SCN4A protein (p.Tyr1581Cys). This variant is present in population databases (no rsID available, gnomAD 0.0009%). This variant has not been reported in the literature in individuals affected with SCN4A-related conditions. ClinVar contains an entry for this variant (Variation ID: 862680). Invitae Evidence Modeling of protein sequence and biophysical properties (such as structural, functional, and spatial information, amino acid conservation, physicochemical variation, residue mobility, and thermodynamic stability) indicates that this missense variant is expected to disrupt SCN4A protein function with a positive predictive value of 95%. In summary, the available evidence is currently insufficient to determine the role of this variant in disease. Therefore, it has been classified as a Variant of Uncertain Significance.

Women's Health and Genetics/Laboratory Corporation of America, LabCorp
Classification: Uncertain significance. Last evaluated: 2023-10-26. Review status: criteria provided, single submitter. Criteria: LabCorp Variant Classification Summary - May 2015. Collection method: clinical testing. Allele origin: germline.
Comment: Variant summary: SCN4A c.4742A>G (p.Tyr1581Cys) results in a non-conservative amino acid change located in the Ion transport domain (IPR005821) of the encoded protein sequence. Five of five in-silico tools predict a damaging effect of the variant on protein function. The variant allele was found at a frequency of 8e-06 in 250034 control chromosomes. The available data on variant occurrences in the general population are insufficient to allow any conclusion about variant significance. To our knowledge, no occurrence of c.4742A>G in individuals affected with Acetazolamide-Responsive Myotonia and no experimental evidence demonstrating its impact on protein function have been reported. One submitter has cited clinical-significance assessments for this variant to ClinVar after 2014 and has classified the variant as uncertain significance. Based on the evidence outlined above, the variant was classified as uncertain significance.

NM_000334.4(SCN4A):c.4742A>G (p.Tyr1581Cys)

Genes: GH-LCR (growth hormone locus control region; plus strand), SCN4A (sodium voltage-gated channel alpha subunit 4; minus strand). Cytogenetic location: 17q23.3.
Variant type: single nucleotide variant.
Coding change: c.4742A>G on transcript NM_000334.4 (MANE Select); coding-DNA position 4742, A replaced by G.
Protein change: p.Tyr1581Cys; replaces tyrosine 1581 with cysteine.
Molecular consequence: missense variant.
Genome position (GRCh38, 1-based): chr17:63,941,540, T>C on the plus strand (A>G on the coding strand, the complement: SCN4A is on the minus strand). VCF-style: chr17-63941540-T-C. GRCh37 (hg19) VCF-style: chr17-62018900-T-C.
Other names: short protein forms Y1581C.
Identifiers: ClinVar variation 862680 (VCV000862680.11), dbSNP rs912147252, ClinGen allele CA292956882.